The following is an entry in ClinVar:

ClinVar aggregate classification (germline): Benign/Likely benign. Review status: criteria provided, multiple submitters, no conflicts (2 of 4 stars). 3 submissions from 3 submitters: Benign (1); Likely benign (2). Last evaluated 2026-06-25.

Conditions:
Hereditary cancer-predisposing syndrome. Also called: Neoplastic Syndromes, Hereditary; Tumor predisposition; Hereditary neoplastic syndrome; Hereditary Cancer Syndrome. Identifiers: Orphanet 140162, MedGen C0027672, MeSH D009386, MONDO:0015356.
Retinoblastoma (RB1). Also called: RETINOBLASTOMA, SOMATIC. Identifiers: Orphanet 790, MedGen C0035335, MeSH D012175, MONDO:0008380, OMIM 180200, HP:0009919. Disease mechanism: loss of function. Inheritance: Both sporadic and heritable forms are tested..

Submissions (3):

Myriad Genetics, Inc.
Classification: Benign for Retinoblastoma. Last evaluated: 2026-06-25. Review status: criteria provided, single submitter. Criteria: Myriad Autosomal Dominant, Autosomal Recessive and X-Linked Classification Criteria (2023). Collection method: clinical testing. Allele origin: unknown.
Comment: This variant is considered benign. This variant is a silent/synonymous amino acid change and it is not expected to impact splicing.

Labcorp Genetics (formerly Invitae), Labcorp
Classification: Likely benign for Retinoblastoma. Last evaluated: 2025-03-14. Review status: criteria provided, single submitter. Criteria: Invitae Variant Classification Sherloc (09022015). Collection method: clinical testing. Allele origin: germline.

Ambry Genetics
Classification: Likely benign for Hereditary cancer-predisposing syndrome. Last evaluated: 2022-03-07. Review status: criteria provided, single submitter. Criteria: Ambry Variant Classification Scheme 2023. Collection method: clinical testing. Allele origin: germline.

NM_000321.3(RB1):c.2424C>G (p.Pro808=)

Gene: RB1 (RB transcriptional corepressor 1; plus strand). Cytogenetic location: 13q14.2.
Variant type: single nucleotide variant.
Coding change: c.2424C>G on transcript NM_000321.3 (MANE Select); coding-DNA position 2424, C replaced by G.
Protein change: p.Pro808=; no amino-acid change (proline 808 retained).
Molecular consequence: synonymous variant.
Genome position (GRCh38, 1-based): chr13:48,465,303, C>G. VCF-style: chr13-48465303-C-G. GRCh37 (hg19) VCF-style: chr13-49039439-C-G.
Other names: c.2424C>G, p.Pro808= (NM_001407165.1).
Identifiers: ClinVar variation 1791057 (VCV001791057.4), dbSNP rs2138345949, ClinGen allele CA483740322.
Genomic context (GRCh38, chr13:48,465,303, plus strand): 5'-CCCTTACAAGTTTCCTAGTTCACCCTTACGGATTCCTGGAGGGAACATCTATATTTCACC[C>G]CTGAAGAGTCCATATAAAATTTCAGAAGGTCTGCCAACACCAACAAAAATGACTCCAAGA-3'
Protein context (NP_000312.2, residues 798-818): RIPGGNIYIS[Pro808=]LKSPYKISEG